The following is an entry in ClinVar:

ClinVar aggregate classification (germline): Uncertain significance. Review status: criteria provided, multiple submitters, no conflicts (2 of 4 stars). 3 submissions from 3 submitters: Uncertain significance (3). Last evaluated 2024-04-29.

Conditions:
Inborn genetic diseases. Identifiers: MedGen C0950123, MeSH D030342.
Dystonic disorder. Also called: Dystonia. Identifiers: MedGen C0013421, MONDO:0003441, HP:0001332.

Allele frequency attached by ClinVar (database versions not stated): gnomAD 0.00003; gnomAD exomes 0.00004 and 0.00010; ExAC 0.00006; TOPMed 0.00006.
gnomAD v4.1: 150 of 1,611,778 alleles (0.0093%); highest among the groups gnomAD compares: Non-Finnish European, 0.012%; no homozygotes.

Submissions (3):

Labcorp Genetics (formerly Invitae), Labcorp
Classification: Uncertain significance for Dystonic disorder. Last evaluated: 2024-04-29. Review status: criteria provided, single submitter. Criteria: Invitae Variant Classification Sherloc (09022015). Collection method: clinical testing. Allele origin: germline.
Comment: This sequence change replaces methionine, which is neutral and non-polar, with isoleucine, which is neutral and non-polar, at codon 405 of the ANO3 protein (p.Met405Ile). This variant is present in population databases (rs751046509, gnomAD 0.009%). This variant has not been reported in the literature in individuals affected with ANO3-related conditions. ClinVar contains an entry for this variant (Variation ID: 455984). Advanced modeling of protein sequence and biophysical properties (such as structural, functional, and spatial information, amino acid conservation, physicochemical variation, residue mobility, and thermodynamic stability) has been performed at Invitae for this missense variant, however the output from this modeling did not meet the statistical confidence thresholds required to predict the impact of this variant on ANO3 protein function. In summary, the available evidence is currently insufficient to determine the role of this variant in disease. Therefore, it has been classified as a Variant of Uncertain Significance.

Ambry Genetics
Classification: Uncertain significance for Inborn genetic diseases. Last evaluated: 2023-01-26. Review status: criteria provided, single submitter. Criteria: Ambry Variant Classification Scheme 2023. Collection method: clinical testing. Allele origin: germline.

GeneDx
Classification: Uncertain significance. Last evaluated: 2019-09-13. Review status: criteria provided, single submitter. Criteria: GeneDx Variant Classification Process June 2021. Collection method: clinical testing. Allele origin: germline. Affected: yes.
Comment: In silico analysis, which includes protein predictors and evolutionary conservation, supports a deleterious effect; Has not been previously published as pathogenic or benign to our knowledge

NM_031418.4(ANO3):c.1215G>A (p.Met405Ile)

Gene: ANO3 (anoctamin 3; plus strand). Cytogenetic location: 11p14.2.
Variant type: single nucleotide variant.
Coding change: c.1215G>A on transcript NM_031418.4 (MANE Select); coding-DNA position 1215, G replaced by A.
Protein change: p.Met405Ile; replaces methionine 405 with isoleucine.
Molecular consequence: missense variant.
Genome position (GRCh38, 1-based): chr11:26,547,476, G>A. VCF-style: chr11-26547476-G-A. GRCh37 (hg19) VCF-style: chr11-26569023-G-A.
Other names: c.1398G>A, p.Met466Ile (NM_001313726.2); c.777G>A, p.Met259Ile (NM_001313727.2); short protein forms M466I, M405I, M259I.
Identifiers: ClinVar variation 455984 (VCV000455984.10), dbSNP rs751046509, ClinGen allele CA5925817.